The following is an entry in ClinVar:

ClinVar aggregate classification (germline): Pathogenic/Likely pathogenic. Review status: criteria provided, multiple submitters, no conflicts (2 of 4 stars). 7 submissions from 7 submitters: Pathogenic (5); Likely pathogenic (1). 1 of the submissions does not count toward it. Last evaluated 2026-03-26.

Conditions:
Sulfite oxidase deficiency. Also called: Isolated sulfite oxidase deficiency. Identifiers: Orphanet 833, Orphanet 99731, MedGen C0268624, MONDO:0010089, OMIM 272300, HP:0003643.
Sulfocysteinuria. Identifiers: MedGen C2931746, HP:0032350.
SUOX-related disorder. Also called: SUOX-related condition.

Allele frequency attached by ClinVar (database versions not stated): ExAC 0.00001; gnomAD exomes 0.00002; gnomAD 0.00004; TOPMed 0.00005.
gnomAD v4.1: 140 of 1,614,036 alleles (0.0087%); highest among the groups gnomAD compares: Non-Finnish European, 0.011%; no homozygotes.

Submissions (7):

PreventionGenetics, part of Exact Sciences
Classification: Pathogenic for SUOX-related condition. Last evaluated: 2026-03-26. Review status: criteria provided, single submitter. Criteria: ACMG Guidelines, 2015. Collection method: clinical testing. Allele origin: germline.
Comment: The SUOX c.1084G>A variant is predicted to result in the amino acid substitution p.Gly362Ser. This variant was reported in the homozygous and presumed compound heterozygous states in individuals with sulfite oxidase deficiency (referred to as 913G>A and G305S, Johnson et al. 2002. PubMed ID: 12112661; Bender et al. 2019. PubMed ID: 31127934; Pavel et al. 2021. PubMed ID: 34957373). Experimental studies indicate this variant impacts protein function and abolishes sulfite-oxidizing activity due to a maturation defect (Bender et al. 2019. PubMed ID: 31127934). This variant is reported in 0.0054% of alleles in individuals of European (Non-Finnish) descent in gnomAD. This variant is interpreted as pathogenic.

CeGaT Center for Human Genetics Tuebingen
Classification: Likely pathogenic. Last evaluated: 2026-03-01. Review status: criteria provided, single submitter. Criteria: CeGaT Center For Human Genetics Tuebingen Variant Classification Criteria Version 2. Collection method: clinical testing. Allele origin: germline. Affected: yes. Observed: 3 variant alleles.
Comment: SUOX: PM2, PM3, PP3, PS3:Supporting

Labcorp Genetics (formerly Invitae), Labcorp
Classification: Pathogenic for Sulfite oxidase deficiency. Last evaluated: 2025-12-03. Review status: criteria provided, single submitter. Criteria: Invitae Variant Classification Sherloc (09022015). Collection method: clinical testing. Allele origin: germline.
Comment: This sequence change replaces glycine, which is neutral and non-polar, with serine, which is neutral and polar, at codon 362 of the SUOX protein (p.Gly362Ser). This variant is present in population databases (rs757559168, gnomAD 0.005%). This missense change has been observed in individual(s) with sulfite oxidase deficiency (PMID: 12112661, 31127934, 34957373). In at least one individual the data is consistent with being in trans (on the opposite chromosome) from a pathogenic variant. This variant is also known as c.913G>A p.G305S. ClinVar contains an entry for this variant (Variation ID: 992188). Invitae Evidence Modeling of protein sequence and biophysical properties (such as structural, functional, and spatial information, amino acid conservation, physicochemical variation, residue mobility, and thermodynamic stability) indicates that this missense variant is expected to disrupt SUOX protein function with a positive predictive value of 95%. Experimental studies have shown that this missense change affects SUOX function (PMID: 31127934). For these reasons, this variant has been classified as Pathogenic.

3billion
Classification: Pathogenic for Sulfite oxidase deficiency. Last evaluated: 2025-01-30. Review status: criteria provided, single submitter. Criteria: ACMG Guidelines, 2015. Collection method: clinical testing. Allele origin: germline. Affected: yes.
Comment: The variant is observed at an extremely low frequency in the gnomAD v4.1.0 dataset (total allele frequency: <0.001%). Predicted Consequence/Location: Frameshift: predicted to result in a loss or disruption of normal protein function through protein truncation. The predicted truncated protein may be shortened by more than 10%. The variant has been reported at least twice as pathogenic without evidence for the classification (ClinVar ID: VCV000618402). Therefore, this variant is classified as Pathogenic according to the recommendation of ACMG/AMP guideline.

Women's Health and Genetics/Laboratory Corporation of America, LabCorp
Classification: Pathogenic for Sulfocysteinuria. Last evaluated: 2023-09-20. Review status: criteria provided, single submitter. Criteria: LabCorp Variant Classification Summary - May 2015. Collection method: clinical testing. Allele origin: germline.
Comment: Variant summary: SUOX c.1084G>A (p.Gly362Ser) results in a non-conservative amino acid change located in the molybdopterin-binding domain (IPR000572) of the encoded protein sequence. Five of five in-silico tools predict a damaging effect of the variant on protein function. Consensus agreement among computation tools predict no significant impact on normal splicing. However, these predictions have yet to be confirmed by functional studies. The variant allele was found at a frequency of 2.4e-05 in 251432 control chromosomes (gnomAD). The available data on variant occurrences in the general population are insufficient to allow any conclusion about variant significance. c.1084G>A has been reported in the literature in both homozygous and compound heterozgyous individuals affected with Sulfite Oxidase Deficiency (e.g., Johnson_2002, Bender_2019, Pavel_2021). These data indicate that the variant is very likely to be associated with disease. At least one publication reports experimental evidence evaluating an impact on protein function, finding that the variant results in a severe defect in sulfite oxidase activity in vivo and an absence of detectable activity in homozygous patient-derived fibroblasts (e.g., Bender_2019). The following publications have been ascertained in the context of this evaluation (PMID: 31127934, 12112661, 34957373). Two submitters have reported clinical-significance assessments for this variant to ClinVar after 2014. One submitter classified the variant as pathogenic, and one submitter classified the variant as uncertain significance. Based on the evidence outlined above, the variant was classified as pathogenic.

Juno Genomics, Hangzhou Juno Genomics, Inc
Classification: Pathogenic for Sulfite oxidase deficiency. Review status: criteria provided, single submitter. Criteria: ACMG Guidelines, 2015. Collection method: clinical testing. Allele origin: germline.
Comment: Absent from controls (or at extremely low frequency if recessive) in Genome Aggregation Database.;Multiple lines of computational evidence support a deleterious effect on the gene or gene product.;Patient's phenotype or family history is highly specific for a disease with a single genetic etiology.;For recessive disorders, detected in trans with a pathogenic variant.

OMIM
Classification: Pathogenic for SULFITE OXIDASE DEFICIENCY, ISOLATED. Last evaluated: 2020-12-29. Review status: no assertion criteria provided. Collection method: literature only. Allele origin: germline. Not counted in ClinVar's aggregate classification.

Literature cited by the submitters: PubMed 12112661 (cited by 3 submitters); PubMed 31127934 (cited by 3 submitters); PubMed 34957373 (cited by Labcorp Genetics (formerly Invitae), Labcorp and Women's Health and Genetics/Laboratory Corporation of America, LabCorp).

NM_001032386.2(SUOX):c.1084G>A (p.Gly362Ser)

Gene: SUOX (sulfite oxidase; plus strand). Cytogenetic location: 12q13.2.
Variant type: single nucleotide variant.
Coding change: c.1084G>A on transcript NM_001032386.2 (MANE Select); coding-DNA position 1084, G replaced by A.
Protein change: p.Gly362Ser; replaces glycine 362 with serine.
Molecular consequence: missense variant.
Genome position (GRCh38, 1-based): chr12:56,004,473, G>A. VCF-style: chr12-56004473-G-A. GRCh37 (hg19) VCF-style: chr12-56398257-G-A.
Other names: c.1084G>A, p.Gly362Ser (NM_000456.3, NM_001032387.2); short protein forms G362S.
Identifiers: ClinVar variation 992188 (VCV000992188.16), dbSNP rs757559168, ClinGen allele CA6621094.